The following is an entry in ClinVar:

ClinVar aggregate classification (germline): Likely benign. Review status: criteria provided, multiple submitters, no conflicts (2 of 4 stars). 2 submissions from 2 submitters: Likely benign (2). Last evaluated 2024-07-01.

Conditions:
Emery-Dreifuss muscular dystrophy 5, autosomal dominant (EDMD5). Also called: EMERY-DREIFUSS MUSCULAR DYSTROPHY 5. Identifiers: Orphanet 261, MedGen C2751805, MONDO:0013072, OMIM 612999.

Allele frequency attached by ClinVar (database versions not stated): ExAC 0.00004; gnomAD 0.00004 and 0.00005; gnomAD exomes 0.00006 and 0.00014; TOPMed 0.00007; ESP Exome Variant Server 0.00015.
gnomAD v4.1: 220 of 1,614,064 alleles (0.014%); highest among the groups gnomAD compares: Non-Finnish European, 0.017%; no homozygotes.

Submissions (2):

Labcorp Genetics (formerly Invitae), Labcorp
Classification: Likely benign for Emery-Dreifuss muscular dystrophy 5, autosomal dominant. Last evaluated: 2024-07-01. Review status: criteria provided, single submitter. Criteria: Invitae Variant Classification Sherloc (09022015). Collection method: clinical testing. Allele origin: germline.

CeGaT Center for Human Genetics Tuebingen
Classification: Likely benign. Last evaluated: 2024-04-01. Review status: criteria provided, single submitter. Criteria: CeGaT Center For Human Genetics Tuebingen Variant Classification Criteria Version 2. Collection method: clinical testing. Allele origin: germline. Affected: yes. Observed: 1 variant allele.
Comment: SYNE2: BP4, BP7

NM_182914.3(SYNE2):c.16848C>T (p.Leu5616=)

Gene: SYNE2 (spectrin repeat containing nuclear envelope protein 2; plus strand). Cytogenetic location: 14q23.2.
Variant type: single nucleotide variant.
Coding change: c.16848C>T on transcript NM_182914.3 (MANE Select); coding-DNA position 16848, C replaced by T.
Protein change: p.Leu5616=; no amino-acid change (leucine 5616 retained).
Molecular consequence: synonymous variant.
Genome position (GRCh38, 1-based): chr14:64,167,582, C>T. VCF-style: chr14-64167582-C-T. GRCh37 (hg19) VCF-style: chr14-64634300-C-T.
Other names: c.16848C>T, p.Leu5616= (NM_015180.6).
Identifiers: ClinVar variation 1122607 (VCV001122607.29), dbSNP rs375802845, ClinGen allele CA7223512.